The following is an entry in ClinVar:

NM_000368.5(TSC1):c.270C>G (p.Leu90=)

Gene: TSC1 (TSC complex subunit 1; minus strand). Cytogenetic location: 9q34.13.
Variant type: single nucleotide variant.
Coding change: c.270C>G on transcript NM_000368.5 (MANE Select); coding-DNA position 270, C replaced by G.
Protein change: p.Leu90=; no amino-acid change (leucine 90 retained).
Molecular consequence: synonymous variant. On other transcripts: 5 prime UTR variant (1), intron variant (1).
Genome position (GRCh38, 1-based): chr9:132,925,680, G>C on the plus strand (C>G on the coding strand, the complement: TSC1 is on the minus strand). VCF-style: chr9-132925680-G-C. GRCh37 (hg19) VCF-style: chr9-135801067-G-C.
Other names: c.270C>G (NM_000368.4); c.270C>G, p.Leu90= (NM_001162426.2); c.-94C>G (NM_001362177.2); c.210+1521C>G (NM_001162427.2).
Identifiers: ClinVar variation 1139402 (VCV001139402.11), dbSNP rs142325036, ClinGen allele CA467594202.

ClinVar aggregate classification (germline): Benign/Likely benign. Review status: criteria provided, multiple submitters, no conflicts (2 of 4 stars). 4 submissions from 4 submitters: Benign (1); Likely benign (3). Last evaluated 2025-11-26.

Conditions:
Tuberous sclerosis syndrome (TSC). Also called: Tuberous Sclerosis Complex; Tuberous sclerosis. Identifiers: Orphanet 805, MedGen C0041341, MONDO:0001734.
Tuberous sclerosis 1 (TSC1). Identifiers: Orphanet 805, MedGen C1854465, MONDO:0008612, OMIM 191100.
Hereditary cancer-predisposing syndrome. Also called: Hereditary neoplastic syndrome; Tumor predisposition; Neoplastic Syndromes, Hereditary; Hereditary Cancer Syndrome. Identifiers: Orphanet 140162, MedGen C0027672, MeSH D009386, MONDO:0015356.

gnomAD v4.1: 3 of 1,614,226 alleles (0.00019%); highest among the groups gnomAD compares: Non-Finnish European, 0.00025%; no homozygotes.

Submissions (4):

Labcorp Genetics (formerly Invitae), Labcorp
Classification: Likely benign for Tuberous sclerosis 1. Last evaluated: 2025-11-26. Review status: criteria provided, single submitter. Criteria: Invitae Variant Classification Sherloc (09022015). Collection method: clinical testing. Allele origin: germline.

Color Diagnostics, LLC DBA Color Health
Classification: Likely benign for Tuberous sclerosis syndrome. Last evaluated: 2025-08-24. Review status: criteria provided, single submitter. Criteria: ACMG Guidelines, 2015. Collection method: clinical testing. Allele origin: germline.

Myriad Genetics, Inc.
Classification: Benign for Tuberous sclerosis 1. Last evaluated: 2025-04-08. Review status: criteria provided, single submitter. Criteria: Myriad Autosomal Dominant, Autosomal Recessive and X-Linked Classification Criteria (2023). Collection method: clinical testing. Allele origin: unknown.
Comment: This variant is considered benign. This variant is a silent/synonymous amino acid change and it is not expected to impact splicing.

Ambry Genetics
Classification: Likely benign for Hereditary cancer-predisposing syndrome. Last evaluated: 2024-07-24. Review status: criteria provided, single submitter. Criteria: Ambry Variant Classification Scheme 2023. Collection method: clinical testing. Allele origin: germline.